The following is an entry in ClinVar:

ClinVar aggregate classification (germline): Uncertain significance (1 of 4 stars; one submission).

Conditions:
Congenital hyperammonemia, type I. Also called: Carbamoyl-phosphate synthase I deficiency; CPS I DEFICIENCY; Carbamoyl phosphate synthetase 1 deficiency; Hyperammonemia due to carbamoyl phosphate synthetase 1 deficiency; CPS 1 deficiency; Carbamyl phosphate synthetase (CPS) deficiency. Identifiers: Orphanet 147, MedGen C4082171, MONDO:0009376, OMIM 237300.

Allele frequency attached by ClinVar (database versions not stated): gnomAD exomes below 0.00001.
gnomAD v4.1: 1 of 1,612,002 alleles (0.000062%); highest among the groups gnomAD compares: Non-Finnish European, 0.000085%; no homozygotes.

Submission:

Labcorp Genetics (formerly Invitae), Labcorp
Classification: Uncertain significance for Congenital hyperammonemia, type I. Last evaluated: 2021-02-26. Review status: criteria provided, single submitter. Criteria: Invitae Variant Classification Sherloc (09022015). Collection method: clinical testing. Allele origin: germline.
Comment: In summary, the available evidence is currently insufficient to determine the role of this variant in disease. Therefore, it has been classified as a Variant of Uncertain Significance. Algorithms developed to predict the effect of missense changes on protein structure and function are either unavailable or do not agree on the potential impact of this missense change (SIFT: "Deleterious"; PolyPhen-2: "Probably Damaging"; Align-GVGD: "Class C0"). This variant has not been reported in the literature in individuals with CPS1-related conditions. This variant is not present in population databases (ExAC no frequency). This sequence change replaces proline with threonine at codon 384 of the CPS1 protein (p.Pro384Thr). The proline residue is moderately conserved and there is a small physicochemical difference between proline and threonine.

NM_001875.5(CPS1):c.1150C>A (p.Pro384Thr)

Gene: CPS1 (carbamoyl-phosphate synthase 1; plus strand). Cytogenetic location: 2q34.
Variant type: single nucleotide variant.
Coding change: c.1150C>A on transcript NM_001875.5 (MANE Select); coding-DNA position 1150, C replaced by A.
Protein change: p.Pro384Thr; replaces proline 384 with threonine.
Molecular consequence: missense variant. On other transcripts: non-coding transcript variant (1).
Genome position (GRCh38, 1-based): chr2:210,592,942, C>A. VCF-style: chr2-210592942-C-A. GRCh37 (hg19) VCF-style: chr2-211457666-C-A.
Other names: c.1150C>A, p.Pro384Thr (NM_001122633.3, NM_001369257.1); c.1183C>A, p.Pro395Thr (NM_001369256.1); short protein forms P384T, P395T.
Identifiers: ClinVar variation 1449849 (VCV001449849.6), dbSNP rs2106113248, ClinGen allele CA350430948.